The following is an entry in ClinVar:

NM_000089.4(COL1A2):c.1405-3C>T

Gene: COL1A2 (collagen type I alpha 2 chain; plus strand). Cytogenetic location: 7q21.3.
Variant type: single nucleotide variant.
Coding change: c.1405-3C>T on transcript NM_000089.4 (MANE Select); 3 bases into the intron before coding-DNA position 1405, C replaced by T.
Molecular consequence: intron variant.
Genome position (GRCh38, 1-based): chr7:94,412,581, C>T. VCF-style: chr7-94412581-C-T. GRCh37 (hg19) VCF-style: chr7-94041893-C-T.
Identifiers: ClinVar variation 515482 (VCV000515482.3), dbSNP rs1021622151, ClinGen allele CA162925034.

ClinVar aggregate classification (germline): Conflicting classifications of pathogenicity. Review status: criteria provided, conflicting classifications (1 of 4 stars). 2 submissions from 2 submitters: Uncertain significance (1); Likely benign (1). Last evaluated 2025-12-07.

Conditions:
Osteogenesis imperfecta type I (OI1). Also called: OI, TYPE I; OSTEOGENESIS IMPERFECTA TARDA; OSTEOGENESIS IMPERFECTA WITH BLUE SCLERAE; Lobstein's Disease; Classic Non-deforming Osteogenesis Imperfecta with Blue Sclerae; Lobstein disease. Identifiers: Orphanet 216796, Orphanet 666, MedGen C0023931, MONDO:0008146, OMIM 166200. Disease mechanism: loss of function.
Ehlers-Danlos syndrome, classic type, 1 (EDSCL1). Also called: Ehlers-Danlos Syndrome, Classic Type, COL5A1-Related; EDS I; Ehlers-Danlos syndrome, type 1; EHLERS-DANLOS SYNDROME, GRAVIS TYPE; EHLERS-DANLOS SYNDROME, SEVERE CLASSIC TYPE. Identifiers: MedGen C0268335, MONDO:0019567, OMIM 130000.

Allele frequency attached by ClinVar (database versions not stated): gnomAD exomes 0.00001; TOPMed below 0.00001.
gnomAD v4.1: 19 of 1,612,844 alleles (0.0012%); highest among the groups gnomAD compares: Non-Finnish European, 0.0015%; no homozygotes.

Submissions (2):

Labcorp Genetics (formerly Invitae), Labcorp
Classification: Uncertain significance for Osteogenesis imperfecta type I; Ehlers-Danlos syndrome, classic type, 1. Last evaluated: 2025-12-07. Review status: criteria provided, single submitter. Criteria: Invitae Variant Classification Sherloc (09022015). Collection method: clinical testing. Allele origin: germline.
Comment: This sequence change falls in intron 24 of the COL1A2 gene. It does not directly change the encoded amino acid sequence of the COL1A2 protein. It affects a nucleotide within the consensus splice site. This variant is not present in population databases (gnomAD no frequency). This variant has not been reported in the literature in individuals affected with COL1A2-related conditions. ClinVar contains an entry for this variant (Variation ID: 515482). Variants that disrupt the consensus splice site are a relatively common cause of aberrant splicing (PMID: 17576681, 9536098). Algorithms developed to predict the effect of sequence changes on RNA splicing suggest that this variant is not likely to affect RNA splicing. In summary, the available evidence is currently insufficient to determine the role of this variant in disease. Therefore, it has been classified as a Variant of Uncertain Significance.

GeneDx
Classification: Likely benign. Last evaluated: 2018-02-13. Review status: criteria provided, single submitter. Criteria: GeneDx Variant Classification (06012015). Collection method: clinical testing. Allele origin: germline. Affected: yes.
Comment: This variant is considered likely benign or benign based on one or more of the following criteria: it is a conservative change, it occurs at a poorly conserved position in the protein, it is predicted to be benign by multiple in silico algorithms, and/or has population frequency not consistent with disease.

Literature cited by the submitters: PubMed 17576681 (cited by Labcorp Genetics (formerly Invitae), Labcorp); PubMed 9536098 (cited by Labcorp Genetics (formerly Invitae), Labcorp).